The following is an entry in ClinVar:

ClinVar aggregate classification (germline): Pathogenic/Likely pathogenic. Review status: criteria provided, multiple submitters, no conflicts (2 of 4 stars). 4 submissions from 4 submitters: Pathogenic (2); Likely pathogenic (2). Last evaluated 2025-12-23.

Conditions:
SPG7-related disorder. Also called: SPG7-related condition.
Hereditary spastic paraplegia 7 (SPG7). Also called: Autosomal recessive spastic paraplegia type 7; SPG7-related neurologic disorder; SPASTIC PARAPLEGIA 7, AUTOSOMAL RECESSIVE, WITH OR WITHOUT CEREBELLAR ATAXIA; Spastic paraplegia 7; Hereditary spastic paraplegia Paraplegin type. Identifiers: Orphanet 99013, MedGen C1846564, MONDO:0011803, OMIM 607259.

Allele frequency attached by ClinVar (database versions not stated): gnomAD exomes below 0.00001; TOPMed below 0.00001; gnomAD 0.00001.

Submissions (4):

Labcorp Genetics (formerly Invitae), Labcorp
Classification: Likely pathogenic for Hereditary spastic paraplegia 7. Last evaluated: 2025-12-23. Review status: criteria provided, single submitter. Criteria: Invitae Variant Classification Sherloc (09022015). Collection method: clinical testing. Allele origin: germline.
Comment: This sequence change is expected to alter the c-terminus of the SPG7 protein (p.Met757Ilefs*66). While this is not anticipated to result in nonsense mediated decay, it is expected to disrupt the last 39 amino acid(s) of the SPG7 protein and extend the protein by 26 additional amino acid residues. This variant is not present in population databases (gnomAD no frequency). This frameshift has been observed in individual(s) with clinical features of hereditary spastic paraplegia (PMID: 27557734; internal data). In at least one individual the data is consistent with being in trans (on the opposite chromosome) from a pathogenic variant. ClinVar contains an entry for this variant (Variation ID: 522825). In summary, the currently available evidence indicates that the variant is pathogenic, but additional data are needed to prove that conclusively. Therefore, this variant has been classified as Likely Pathogenic.

PreventionGenetics, part of Exact Sciences
Classification: Likely pathogenic for SPG7-related condition. Last evaluated: 2025-01-19. Review status: criteria provided, single submitter. Criteria: ACMG Guidelines, 2015. Collection method: clinical testing. Allele origin: germline.
Comment: The SPG7 c.2271delG variant is predicted to result in a frameshift and premature protein termination (p.Met757Ilefs*66). This variant occurs within the terminal exon of the SPG7 gene and is predicted to disrupt the native stop codon, causing extension of the coding sequence by 26 amino acids. This variant was reported in the compound heterozygous state in an individual with adult-onset cerebellar ataxia and emotional anomalies (Zhang et al. 2017. PubMed ID: 27557734). Further analysis of family members showed that this variant was inherited from an unaffected father (Zhang et al. 2017. PubMed ID: 27557734). This variant has not been reported in a large population database (gnomAD), indicating this variant is rare. Frameshift variants in SPG7 are expected to be pathogenic; however, all other documented frameshift variants result in early termination of the coding sequence. Functional analysis of the SPG7 c-terminal region (amino acids 701 through 795) have reveled a domain that is important for mediating the assembly of the mitochondrial permeability transition pore complex (Shanmughapriya et al. 2015. PubMed ID: 26387735). Disruption of this domain is expected to interrupt pore formation and impact mitochondrial calcium homeostasis (Shanmughapriya et al. 2015. PubMed ID: 26387735). Based on this evidence, this variant is interpreted as likely pathogenic.

Fulgent Genetics
Classification: Pathogenic for Hereditary spastic paraplegia 7. Last evaluated: 2024-05-29. Review status: criteria provided, single submitter. Criteria: ACMG Guidelines, 2015. Collection method: clinical testing. Allele origin: germline.

Undiagnosed Diseases Network, NIH
Classification: Pathogenic for Hereditary spastic paraplegia 7. Last evaluated: 2017-05-08. Review status: criteria provided, single submitter. Criteria: ACMG Guidelines, 2015. Collection method: clinical testing. Allele origin: unknown. Inheritance: Autosomal recessive inheritance. Affected: yes. Observed: 1 variant allele, 1 compound heterozygote. Study: Undiagnosed Diseases Network (NIH), UDN.

Literature cited by the submitters: PubMed 27557734 (cited by Labcorp Genetics (formerly Invitae), Labcorp).

NM_003119.4(SPG7):c.2271del (p.Met757fs)

Gene: SPG7 (SPG7 matrix AAA peptidase subunit, paraplegin; plus strand). Cytogenetic location: 16q24.3.
Variant type: Deletion.
Coding change: c.2271del on transcript NM_003119.4 (MANE Select); coding-DNA position 2271, one base deleted (G; older notation c.2271delG).
Protein change: p.Met757fs; shifts the reading frame from methionine 757.
Molecular consequence: frameshift variant. On other transcripts: 3 prime UTR variant (1).
Genome position (GRCh38, 1-based): chr16:89,556,976, G deleted. VCF-style (leftmost placement, unchanged base first): chr16-89556975-TG-T. GRCh37 (hg19) VCF-style: chr16-89623383-TG-T.
Other names: c.2271delG (NM_003119.3); c.*49del (NM_001363850.1); short protein forms M757fs.
Identifiers: ClinVar variation 522825 (VCV000522825.14), dbSNP rs1217391623, ClinGen allele CA658798661.